The following is an entry in ClinVar:

NM_001002295.2(GATA3):c.1223C>T (p.Ser408Leu)

Gene: GATA3 (GATA binding protein 3; plus strand). Cytogenetic location: 10p14.
Variant type: single nucleotide variant.
Coding change: c.1223C>T on transcript NM_001002295.2 (MANE Select); coding-DNA position 1223, C replaced by T.
Protein change: p.Ser408Leu; replaces serine 408 with leucine.
Molecular consequence: missense variant.
Genome position (GRCh38, 1-based): chr10:8,073,911, C>T. VCF-style: chr10-8073911-C-T. GRCh37 (hg19) VCF-style: chr10-8115874-C-T.
Other names: c.1220C>T, p.Ser407Leu (NM_002051.3); short protein forms S408L, S407L.
Identifiers: ClinVar variation 301128 (VCV000301128.9), dbSNP rs752977342, ClinGen allele CA5404568.

ClinVar aggregate classification (germline): Uncertain significance. Review status: criteria provided, multiple submitters, no conflicts (2 of 4 stars). 3 submissions from 3 submitters: Uncertain significance (3). Last evaluated 2022-05-07.

Conditions:
Hypoparathyroidism, deafness, renal disease syndrome (HDRS). Also called: HYPOPARATHYROIDISM, SENSORINEURAL DEAFNESS, AND RENAL DYSPLASIA SYNDROME. Identifiers: Orphanet 2237, MedGen C1840333, MONDO:0007797, OMIM 146255.

Allele frequency attached by ClinVar (database versions not stated): ExAC 0.00001; gnomAD 0.00001; gnomAD exomes 0.00001; TOPMed 0.00003.
gnomAD v4.1: 98 of 1,614,018 alleles (0.0061%); highest among the groups gnomAD compares: Non-Finnish European, 0.0079%; no homozygotes.

Submissions (3):

Labcorp Genetics (formerly Invitae), Labcorp
Classification: Uncertain significance. Last evaluated: 2022-05-07. Review status: criteria provided, single submitter. Criteria: Invitae Variant Classification Sherloc (09022015). Collection method: clinical testing. Allele origin: germline.
Comment: In summary, the available evidence is currently insufficient to determine the role of this variant in disease. Therefore, it has been classified as a Variant of Uncertain Significance. Algorithms developed to predict the effect of missense changes on protein structure and function are either unavailable or do not agree on the potential impact of this missense change (SIFT: "Deleterious"; PolyPhen-2: "Benign"; Align-GVGD: "Class C0"). ClinVar contains an entry for this variant (Variation ID: 301128). This variant has not been reported in the literature in individuals affected with GATA3-related conditions. This variant is present in population databases (rs752977342, gnomAD 0.003%). This sequence change replaces serine, which is neutral and polar, with leucine, which is neutral and non-polar, at codon 408 of the GATA3 protein (p.Ser408Leu).

Fulgent Genetics
Classification: Uncertain significance for Hypoparathyroidism, deafness, renal disease syndrome. Last evaluated: 2021-12-29. Review status: criteria provided, single submitter. Criteria: ACMG Guidelines, 2015. Collection method: clinical testing. Allele origin: unknown.

Illumina Laboratory Services, Illumina
Classification: Uncertain significance for Hypoparathyroidism, deafness, renal disease syndrome. Last evaluated: 2018-01-12. Review status: criteria provided, single submitter. Criteria: ICSL Variant Classification Criteria 13 December 2019. Collection method: clinical testing. Allele origin: germline.